The following is an entry in ClinVar:

NM_001042492.3(NF1):c.7172T>C (p.Val2391Ala)

Gene: NF1 (neurofibromin 1; plus strand). Cytogenetic location: 17q11.2.
Variant type: single nucleotide variant.
Coding change: c.7172T>C on transcript NM_001042492.3 (MANE Select); coding-DNA position 7172, T replaced by C.
Protein change: p.Val2391Ala; replaces valine 2391 with alanine.
Molecular consequence: missense variant.
Genome position (GRCh38, 1-based): chr17:31,343,118, T>C. VCF-style: chr17-31343118-T-C. GRCh37 (hg19) VCF-style: chr17-29670136-T-C.
Other names: c.7109T>C, p.Val2370Ala (NM_000267.4); short protein forms V2370A, V2391A.
Identifiers: ClinVar variation 1063567 (VCV001063567.8), dbSNP rs2069869918, ClinGen allele CA399015752.
Genomic context (GRCh38, chr17:31,343,118, plus strand): 5'-GCAAGCAAATGGATCATTTTGTTGGACTCAATTTCAACTCTAACTTTAACTTTGCATTGG[T>C]TGGACACCTTTTAAAAGGTAAAAAAGCCTTATTTAGAATATTTTTATGAAGTACTATTAA-3'
Protein context (NP_001035957.1, residues 2381-2401): NFNSNFNFAL[Val2391Ala]GHLLKGYRHP

ClinVar aggregate classification (germline): Uncertain significance. Review status: criteria provided, multiple submitters, no conflicts (2 of 4 stars). 3 submissions from 3 submitters: Uncertain significance (3). Last evaluated 2023-08-28.

Conditions:
Cardiovascular phenotype. Identifiers: MedGen CN230736.
Hereditary cancer-predisposing syndrome. Also called: Tumor predisposition; Neoplastic Syndromes, Hereditary; Hereditary Cancer Syndrome; Hereditary neoplastic syndrome. Identifiers: Orphanet 140162, MedGen C0027672, MeSH D009386, MONDO:0015356.
Neurofibromatosis, type 1 (NF1). Also called: NEUROFIBROMATOSIS, TYPE I, SOMATIC; Neurofibromatosis, type I; VON RECKLINGHAUSEN DISEASE; Peripheral type neurofibromatosis. Identifiers: Orphanet 636, MedGen C0027831, MONDO:0018975, OMIM 162200. Disease mechanism: loss of function.

Submissions (3):

Labcorp Genetics (formerly Invitae), Labcorp
Classification: Uncertain significance for Neurofibromatosis, type 1. Last evaluated: 2023-08-28. Review status: criteria provided, single submitter. Criteria: Invitae Variant Classification Sherloc (09022015). Collection method: clinical testing. Allele origin: germline.
Comment: In summary, the available evidence is currently insufficient to determine the role of this variant in disease. Therefore, it has been classified as a Variant of Uncertain Significance. This variant disrupts the p.Val2370 amino acid residue in NF1. Other variant(s) that disrupt this residue have been determined to be pathogenic (PMID: 23954459; Invitae). This suggests that this residue is clinically significant, and that variants that disrupt this residue are likely to be disease-causing. Advanced modeling of protein sequence and biophysical properties (such as structural, functional, and spatial information, amino acid conservation, physicochemical variation, residue mobility, and thermodynamic stability) has been performed at Invitae for this missense variant, however the output from this modeling did not meet the statistical confidence thresholds required to predict the impact of this variant on NF1 protein function. ClinVar contains an entry for this variant (Variation ID: 1063567). This variant has not been reported in the literature in individuals affected with NF1-related conditions. This variant is not present in population databases (gnomAD no frequency). This sequence change replaces valine, which is neutral and non-polar, with alanine, which is neutral and non-polar, at codon 2370 of the NF1 protein (p.Val2370Ala).

Ambry Genetics
Classification: Uncertain significance for Cardiovascular phenotype; Hereditary cancer-predisposing syndrome. Last evaluated: 2022-07-12. Review status: criteria provided, single submitter. Criteria: Ambry Variant Classification Scheme 2023. Collection method: clinical testing. Allele origin: germline.
Comment: The p.V2370A variant (also known as c.7109T>C), located in coding exon 47 of the NF1 gene, results from a T to C substitution at nucleotide position 7109. The valine at codon 2370 is replaced by alanine, an amino acid with similar properties. This amino acid position is highly conserved in available vertebrate species. In addition, the in silico prediction for this alteration is inconclusive. Since supporting evidence is limited at this time, the clinical significance of this alteration remains unclear.

Breakthrough Genomics
Classification: Uncertain significance. Review status: criteria provided, single submitter. Criteria: ACMG Guidelines, 2015. Collection method: not provided. Allele origin: germline. Inheritance: Autosomal dominant inheritance. Affected: yes.

Literature cited by the submitters: PubMed 23954459 (cited by Labcorp Genetics (formerly Invitae), Labcorp).